The following is an entry in ClinVar:

NM_000018.4(ACADVL):c.1896dup (p.Asn633fs)

Gene: ACADVL (acyl-CoA dehydrogenase very long chain; plus strand). Cytogenetic location: 17p13.1.
Variant type: Duplication.
Coding change: c.1896dup on transcript NM_000018.4 (MANE Select); coding-DNA position 1896, one base duplicated (C; older notation c.1896dupC).
Protein change: p.Asn633fs; shifts the reading frame from asparagine 633.
Molecular consequence: frameshift variant.
Genome position (GRCh38, 1-based): chr17:7,225,025, C duplicated. VCF-style (leftmost placement, unchanged base first): chr17-7225024-G-GC. GRCh37 (hg19) VCF-style: chr17-7128343-G-GC.
Other names: NM_000018.4(ACADVL):c.1896dup; p.Asn633fs; c.1830dup, p.Asn611fs (NM_001033859.3); c.1965dup, p.Asn656fs (NM_001270447.2); c.1668dup, p.Asn557fs (NM_001270448.2); short protein forms N611fs, N656fs, N633fs, N557fs.
Identifiers: ClinVar variation 932838 (VCV000932838.3), dbSNP rs2071412513, ClinGen allele CA1139665163.

ClinVar aggregate classification (germline): Uncertain significance. Review status: reviewed by expert panel (3 of 4 stars). 2 submissions from 2 submitters: Uncertain significance (1). 1 of the submissions does not count toward it. Last evaluated 2023-02-14.

Conditions:
Very long chain acyl-CoA dehydrogenase deficiency (ACADVLD). Also called: Very Long-Chain Acyl-Coenzyme A Dehydrogenase Deficiency; VLCAD Deficiency. Identifiers: Orphanet 26793, MedGen C3887523, MONDO:0008723, OMIM 201475.

Submissions (2):

ClinGen ACADVL Variant Curation Expert Panel, ClinGen
Classification: Uncertain significance for Very long chain acyl-CoA dehydrogenase deficiency. Last evaluated: 2023-02-14. Review status: reviewed by expert panel. Criteria: clingen acadvl acmg specifications v1. Collection method: curation. Allele origin: germline. Inheritance: Autosomal recessive inheritance.
Comment: The c.1896dup (p.Asn633GlnfsTer57) variant in ACADVL is a frameshift variant that may cause loss of function of the protein, however it is predicted to escape nonsense mediated decay and extend the protein by 32 amino acids (PVS1_Moderate). This variant is absent from gnomAD v2.1.1 (PM2_Supporting). To our knowledge, functional assays have not been reported for this variant. To our knowledge, this variant has not been reported in the literature in any individuals with VLCADD. In summary, this variant meets the criteria to be classified as UNCERTAIN SIGNIFICANCE for autosomal recessive very long chain acyl-CoA dehydrogenase (VLCAD) deficiency based on the ACMG/AMP criteria applied, as specified by the ClinGen ACADVL Variant Curation Expert Panel: PVS1_Moderate, PM2_Supporting (ClinGen ACADVL VCEP specifications version#1; 12-29-2022).

Wong Mito Lab, Molecular and Human Genetics, Baylor College of Medicine
Classification: Pathogenic for Very long chain acyl-CoA dehydrogenase deficiency. Last evaluated: 2019-11-01. Review status: criteria provided, single submitter. Criteria: ACMG Guidelines, 2015. Collection method: clinical testing. Allele origin: germline. Not counted in ClinVar's aggregate classification.
Comment: The NM_000018.3:c.1896dupC (NP_000009.1:p.Asn633GlnfsTer57) [GRCH38: NC_000017.11:g.7225025dup] variant in ACADVL gene is interpretated to be Pathogenic based on ACMG guidelines (PMID: 25741868). This variant has been reported. This variant meets the following evidence codes reported in the ACMG guidelines: PVS1, PS3